The following is an entry in ClinVar:

NM_000142.5(FGFR3):c.524G>A (p.Arg175His)

Gene: FGFR3 (fibroblast growth factor receptor 3; plus strand). Cytogenetic location: 4p16.3.
Variant type: single nucleotide variant.
Coding change: c.524G>A on transcript NM_000142.5 (MANE Select); coding-DNA position 524, G replaced by A.
Protein change: p.Arg175His; replaces arginine 175 with histidine.
Molecular consequence: missense variant. On other transcripts: non-coding transcript variant (1).
Genome position (GRCh38, 1-based): chr4:1,801,445, G>A. VCF-style: chr4-1801445-G-A. GRCh37 (hg19) VCF-style: chr4-1803172-G-A.
Other names: c.524G>A, p.Arg175His (NM_001163213.2, NM_001354809.2, NM_001354810.2 and 1 more transcripts); short protein forms R175H.
Identifiers: ClinVar variation 2902406 (VCV002902406.3), dbSNP rs775241791, ClinGen allele CA2809863.

ClinVar aggregate classification (germline): Uncertain significance (1 of 4 stars; one submission).

Allele frequency attached by ClinVar (database versions not stated): TOPMed 0.00001; gnomAD exomes 0.00002; gnomAD 0.00003; ExAC 0.00014.

Submission:

Labcorp Genetics (formerly Invitae), Labcorp
Classification: Uncertain significance. Last evaluated: 2023-03-10. Review status: criteria provided, single submitter. Criteria: Invitae Variant Classification Sherloc (09022015). Collection method: clinical testing. Allele origin: germline.
Comment: This sequence change replaces arginine, which is basic and polar, with histidine, which is basic and polar, at codon 175 of the FGFR3 protein (p.Arg175His). The frequency data for this variant in the population databases is considered unreliable, as metrics indicate poor data quality at this position in the gnomAD database. This variant has not been reported in the literature in individuals affected with FGFR3-related conditions. Advanced modeling of protein sequence and biophysical properties (such as structural, functional, and spatial information, amino acid conservation, physicochemical variation, residue mobility, and thermodynamic stability) has been performed at Invitae for this missense variant, however the output from this modeling did not meet the statistical confidence thresholds required to predict the impact of this variant on FGFR3 protein function. In summary, the available evidence is currently insufficient to determine the role of this variant in disease. Therefore, it has been classified as a Variant of Uncertain Significance.